The following is an entry in ClinVar:

ClinVar aggregate classification (germline): Uncertain significance (1 of 4 stars; one submission).

Conditions:
Immunodeficiency. Identifiers: MedGen C0021051, MONDO:0021094, HP:0002721.

Submission:

Labcorp Genetics (formerly Invitae), Labcorp
Classification: Uncertain significance for Immunodeficiency. Last evaluated: 2023-10-13. Review status: criteria provided, single submitter. Criteria: Invitae Variant Classification Sherloc (09022015). Collection method: clinical testing. Allele origin: germline.
Comment: This sequence change replaces proline, which is neutral and non-polar, with leucine, which is neutral and non-polar, at codon 1148 of the NFAT5 protein (p.Pro1148Leu). This variant is not present in population databases (gnomAD no frequency). This variant has not been reported in the literature in individuals affected with NFAT5-related conditions. ClinVar contains an entry for this variant (Variation ID: 2139228). An algorithm developed to predict the effect of missense changes on protein structure and function (PolyPhen-2) suggests that this variant is likely to be tolerated. In summary, the available evidence is currently insufficient to determine the role of this variant in disease. Therefore, it has been classified as a Variant of Uncertain Significance.

NM_138713.4(NFAT5):c.3725C>T (p.Pro1242Leu)

Gene: NFAT5 (nuclear factor of activated T cells 5; plus strand). Cytogenetic location: 16q22.1.
Variant type: single nucleotide variant.
Coding change: c.3725C>T on transcript NM_138713.4 (MANE Select); coding-DNA position 3725, C replaced by T.
Protein change: p.Pro1242Leu; replaces proline 1242 with leucine.
Molecular consequence: missense variant.
Genome position (GRCh38, 1-based): chr16:69,693,550, C>T. VCF-style: chr16-69693550-C-T. GRCh37 (hg19) VCF-style: chr16-69727453-C-T.
Other names: c.3722C>T, p.Pro1241Leu (NM_001113178.3); c.3050C>T, p.Pro1017Leu (NM_001367709.1); c.3671C>T, p.Pro1224Leu (NM_006599.4); c.3443C>T, p.Pro1148Leu (NM_138714.4, NM_173214.3, NM_173215.3); short protein forms P1148L, P1241L, P1242L, P1224L, P1017L.
Identifiers: ClinVar variation 2139228 (VCV002139228.4), dbSNP rs2544249042, ClinGen allele CA396513644.
Genomic context (GRCh38, chr16:69,693,550, plus strand): 5'-CGCAGCAGGGTTTATTTCAGCCTCAGGTGGCCCTGGGCTCCCTTCCACCTAATCCAATGC[C>T]TCAAAGCCAACAAGGAACCATGTTCCAGTCACAGCACTCAATAGTTGCCATGCAGAGTAA-3'
Protein context (NP_619727.2, residues 1232-1252): ALGSLPPNPM[Pro1242Leu]QSQQGTMFQS